The following is an entry in ClinVar:

ClinVar aggregate classification (germline): Uncertain significance (1 of 4 stars; one submission).

Submission:

Labcorp Genetics (formerly Invitae), Labcorp
Classification: Uncertain significance. Last evaluated: 2022-05-10. Review status: criteria provided, single submitter. Criteria: Invitae Variant Classification Sherloc (09022015). Collection method: clinical testing. Allele origin: germline.
Comment: This sequence change replaces asparagine, which is neutral and polar, with aspartic acid, which is acidic and polar, at codon 2371 of the HERC1 protein (p.Asn2371Asp). This variant is not present in population databases (gnomAD no frequency). This variant has not been reported in the literature in individuals affected with HERC1-related conditions. In summary, the available evidence is currently insufficient to determine the role of this variant in disease. Therefore, it has been classified as a Variant of Uncertain Significance. Algorithms developed to predict the effect of missense changes on protein structure and function are either unavailable or do not agree on the potential impact of this missense change (SIFT: "Deleterious"; PolyPhen-2: "Possibly Damaging"; Align-GVGD: "Class C15").

NM_003922.4(HERC1):c.7111A>G (p.Asn2371Asp)

Gene: HERC1 (HECT and RLD domain containing E3 ubiquitin protein ligase family member 1; minus strand). Cytogenetic location: 15q22.31.
Variant type: single nucleotide variant.
Coding change: c.7111A>G on transcript NM_003922.4 (MANE Select); coding-DNA position 7111, A replaced by G.
Protein change: p.Asn2371Asp; replaces asparagine 2371 with aspartic acid.
Molecular consequence: missense variant.
Genome position (GRCh38, 1-based): chr15:63,675,077, T>C on the plus strand (A>G on the coding strand, the complement: HERC1 is on the minus strand). VCF-style: chr15-63675077-T-C. GRCh37 (hg19) VCF-style: chr15-63967276-T-C.
Other names: short protein forms N2371D.
Identifiers: ClinVar variation 1992883 (VCV001992883.4), dbSNP rs763266005, ClinGen allele CA392766248.
Genomic context (GRCh38, chr15:63,675,077, plus strand): 5'-AAGCCGTCAGGCCTCGGAATCGCGCCACATCAAACGGCAATGGTTCACAGGGTTCCAGAT[T>C]ATACAATGGAGTATCACTAGGCGACCAAAAAGTTGGGAAGCTTTAATAAAGATCAGAATG-3'
Protein context (NP_003913.3, residues 2361-2381): FWSPSDTPLY[Asn2371Asp]LEPCEPLPFD